The following is an entry in ClinVar:

NM_014363.6(SACS):c.1654C>G (p.Leu552Val)

Gene: SACS (sacsin molecular chaperone; minus strand). Cytogenetic location: 13q12.12.
Variant type: single nucleotide variant.
Coding change: c.1654C>G on transcript NM_014363.6 (MANE Select); coding-DNA position 1654, C replaced by G.
Protein change: p.Leu552Val; replaces leucine 552 with valine.
Molecular consequence: missense variant.
Genome position (GRCh38, 1-based): chr13:23,354,958, G>C on the plus strand (C>G on the coding strand, the complement: SACS is on the minus strand). VCF-style: chr13-23354958-G-C. GRCh37 (hg19) VCF-style: chr13-23929097-G-C.
Other names: c.1213C>G, p.Leu405Val (NM_001278055.2); c.1654C>G (NM_014363.4); short protein forms L405V, L552V.
Identifiers: ClinVar variation 1979892 (VCV001979892.6), dbSNP rs767218921, ClinGen allele CA6911875.

ClinVar aggregate classification (germline): Conflicting classifications of pathogenicity. Review status: criteria provided, conflicting classifications (1 of 4 stars). 3 submissions from 3 submitters: Uncertain significance (2); Likely benign (1). Last evaluated 2026-01-20.

Conditions:
Inborn genetic diseases. Identifiers: MedGen C0950123, MeSH D030342.
Spastic paraplegia. Identifiers: MedGen C0037772, HP:0001258.

Allele frequency attached by ClinVar (database versions not stated): gnomAD 0.00001; TOPMed 0.00001; ExAC 0.00002; gnomAD exomes 0.00003.
gnomAD v4.1: 39 of 1,614,118 alleles (0.0024%); highest among the groups gnomAD compares: Non-Finnish European, 0.0032%; no homozygotes.

Submissions (3):

Labcorp Genetics (formerly Invitae), Labcorp
Classification: Likely benign for Spastic paraplegia. Last evaluated: 2026-01-20. Review status: criteria provided, single submitter. Criteria: Invitae Variant Classification Sherloc (09022015). Collection method: clinical testing. Allele origin: germline.

Ambry Genetics
Classification: Uncertain significance for Inborn genetic diseases. Last evaluated: 2024-11-12. Review status: criteria provided, single submitter. Criteria: Ambry Variant Classification Scheme 2023. Collection method: clinical testing. Allele origin: germline.

Athena Diagnostics
Classification: Uncertain significance. Last evaluated: 2024-04-15. Review status: criteria provided, single submitter. Criteria: Athena Diagnostics Criteria. Collection method: clinical testing. Allele origin: unknown.
Comment: Available data are insufficient to determine the clinical significance of the variant at this time. The frequency of this variant in the general population is uninformative in assessment of its pathogenicity. Computational tools disagree on the variant's effect on normal protein function.